The following is an entry in ClinVar:

NM_021008.4(DEAF1):c.1312C>A (p.Pro438Thr)

Genes: DEAF1 (DEAF1 transcription factor; minus strand), LOC126861109 (BRD4-independent group 4 enhancer GRCh37_chr11:673917-675116; plus strand). Cytogenetic location: 11p15.5.
Variant type: single nucleotide variant.
Coding change: c.1312C>A on transcript NM_021008.4 (MANE Select); coding-DNA position 1312, C replaced by A.
Protein change: p.Pro438Thr; replaces proline 438 with threonine.
Molecular consequence: missense variant.
Genome position (GRCh38, 1-based): chr11:674,727, G>T on the plus strand (C>A on the coding strand, the complement: DEAF1 is on the minus strand). VCF-style: chr11-674727-G-T. GRCh37 (hg19) VCF-style: chr11-674727-G-T.
Other names: c.1045C>A, p.Pro349Thr (NM_001293634.2); c.586C>A, p.Pro196Thr (NM_001367390.1); short protein forms P196T, P438T, P349T.
Identifiers: ClinVar variation 1473843 (VCV001473843.10), dbSNP rs2133365534, ClinGen allele CA378924368.
Genomic context (GRCh38, chr11:674,727, plus strand): 5'-CTTCTAGGTACAGCCAGCTCCGCGGCTCTGACAGCTCCAGCCCATTGACCAACGCGGGAG[G>T]TGCCGCTTTGGTGGGAGTCGGGGGTGGGACCGCCAGCGCAGGCAGGGATGTCAACACTAG-3'
Protein context (NP_066288.2, residues 428-448): VPPPTPTKAA[Pro438Thr]PALVNGLELS

ClinVar aggregate classification (germline): Uncertain significance. Review status: criteria provided, multiple submitters, no conflicts (2 of 4 stars). 2 submissions from 2 submitters: Uncertain significance (2). Last evaluated 2023-02-06.

Conditions:
Inborn genetic diseases. Identifiers: MedGen C0950123, MeSH D030342.

gnomAD v4.1: 3 of 1,613,846 alleles (0.00019%); no homozygotes.

Submissions (2):

Ambry Genetics
Classification: Uncertain significance for Inborn genetic diseases. Last evaluated: 2023-02-06. Review status: criteria provided, single submitter. Criteria: Ambry Variant Classification Scheme 2023. Collection method: clinical testing. Allele origin: germline.

Labcorp Genetics (formerly Invitae), Labcorp
Classification: Uncertain significance. Last evaluated: 2021-08-09. Review status: criteria provided, single submitter. Criteria: Invitae Variant Classification Sherloc (09022015). Collection method: clinical testing. Allele origin: germline.
Comment: This variant has not been reported in the literature in individuals affected with DEAF1-related conditions. In summary, the available evidence is currently insufficient to determine the role of this variant in disease. Therefore, it has been classified as a Variant of Uncertain Significance. Advanced modeling of protein sequence and biophysical properties (such as structural, functional, and spatial information, amino acid conservation, physicochemical variation, residue mobility, and thermodynamic stability) performed at Invitae indicates that this missense variant is not expected to disrupt DEAF1 protein function. This variant is not present in population databases (ExAC no frequency). This sequence change replaces proline with threonine at codon 438 of the DEAF1 protein (p.Pro438Thr). The proline residue is weakly conserved and there is a small physicochemical difference between proline and threonine.